The following is an entry in ClinVar:

NM_173660.5(DOK7):c.332-18T>A

Gene: DOK7 (docking protein 7; plus strand). Cytogenetic location: 4p16.3.
Variant type: single nucleotide variant.
Coding change: c.332-18T>A on transcript NM_173660.5 (MANE Select); 18 bases into the intron before coding-DNA position 332, T replaced by A.
Molecular consequence: intron variant.
Genome position (GRCh38, 1-based): chr4:3,476,324, T>A. VCF-style: chr4-3476324-T-A. GRCh37 (hg19) VCF-style: chr4-3478051-T-A.
Other names: c.332-18T>A (NM_001301071.2, NM_001164673.2); c.101-9215T>A (NM_001363811.2).
Identifiers: ClinVar variation 2144017 (VCV002144017.4), dbSNP rs2699425, ClinGen allele CA2580070717.

ClinVar aggregate classification (germline): Uncertain significance (1 of 4 stars; one submission).

Conditions:
Congenital myasthenic syndrome 10. Also called: Myasthenia, limb-girdle, familial. Identifiers: Orphanet 590, MedGen C1850792, MONDO:0009690, OMIM 254300.
Fetal akinesia deformation sequence 1 (FADS1). Also called: Fetal akinesia sequence; Pena-Shokeir syndrome type I. Identifiers: Orphanet 994, MedGen C1276035, MONDO:0100101, OMIM 208150, HP:0001989.

Submission:

Labcorp Genetics (formerly Invitae), Labcorp
Classification: Uncertain significance for Congenital myasthenic syndrome 10; Fetal akinesia deformation sequence 1. Last evaluated: 2022-02-04. Review status: criteria provided, single submitter. Criteria: Invitae Variant Classification Sherloc (09022015). Collection method: clinical testing. Allele origin: germline.
Comment: This variant has not been reported in the literature in individuals affected with DOK7-related conditions. This variant is not present in population databases (gnomAD no frequency). This sequence change falls in intron 3 of the DOK7 gene. It does not directly change the encoded amino acid sequence of the DOK7 protein. In summary, the available evidence is currently insufficient to determine the role of this variant in disease. Therefore, it has been classified as a Variant of Uncertain Significance. Algorithms developed to predict the effect of sequence changes on RNA splicing suggest that this variant may create or strengthen a splice site.